The following is an entry in ClinVar:

ClinVar aggregate classification (germline): Uncertain significance (1 of 4 stars; one submission).

Conditions:
Hereditary cancer-predisposing syndrome. Also called: Neoplastic Syndromes, Hereditary; Tumor predisposition; Hereditary Cancer Syndrome; Hereditary neoplastic syndrome. Identifiers: Orphanet 140162, MedGen C0027672, MeSH D009386, MONDO:0015356.

Submission:

Ambry Genetics
Classification: Uncertain significance for Hereditary cancer-predisposing syndrome. Last evaluated: 2015-09-29. Review status: criteria provided, single submitter. Criteria: Ambry Variant Classification Scheme 2023. Collection method: clinical testing. Allele origin: germline.
Comment: The p.G763R variant (also known as c.2287G>C), located in coding exon 15 of the BRIP1 gene, results from a G to C substitution at nucleotide position 2287. The glycine at codon 763 is replaced by arginine, an amino acid with dissimilar properties. This variant was not reported in population based cohorts in the following databases: Database of Single Nucleotide Polymorphisms (dbSNP), NHLBI Exome Sequencing Project (ESP), and 1000 Genomes Project. In the ESP, this variant was not observed in 6503 samples (13006 alleles) with coverage at this position. To date, this alteration has been detected with an allele frequency of approximately 0.001% (greater than 65000 alleles tested) in our clinical cohort. This amino acid position is highly conserved in available vertebrate species. In addition, this alteration is predicted to be deleterious by in silico analysis. Since supporting evidence is limited at this time, the clinical significance of p.G763R remains unclear.

NM_032043.3(BRIP1):c.2287G>C (p.Gly763Arg)

Gene: BRIP1 (BRCA1 interacting DNA helicase 1; minus strand). Cytogenetic location: 17q23.2.
Variant type: single nucleotide variant.
Coding change: c.2287G>C on transcript NM_032043.3 (MANE Select); coding-DNA position 2287, G replaced by C.
Protein change: p.Gly763Arg; replaces glycine 763 with arginine.
Molecular consequence: missense variant.
Genome position (GRCh38, 1-based): chr17:61,743,105, C>G on the plus strand (G>C on the coding strand, the complement: BRIP1 is on the minus strand). VCF-style: chr17-61743105-C-G. GRCh37 (hg19) VCF-style: chr17-59820466-C-G.
Other names: short protein forms G763R.
Identifiers: ClinVar variation 234158 (VCV000234158.5), dbSNP rs876660890, ClinGen allele CA10580809.